The following is an entry in ClinVar:

ClinVar aggregate classification (germline): Uncertain significance (1 of 4 stars; one submission).

Conditions:
Inborn genetic diseases. Identifiers: MedGen C0950123, MeSH D030342.

gnomAD v4.1: 1 of 1,614,044 alleles (0.000062%); highest among the groups gnomAD compares: African/African-American, 0.0013%; no homozygotes.

Submission:

Ambry Genetics
Classification: Uncertain significance for Inborn genetic diseases. Last evaluated: 2026-08-08. Review status: criteria provided, single submitter. Criteria: Ambry Variant Classification Scheme 2023. Collection method: clinical testing. Allele origin: germline.
Comment: The p.Q549R variant (also known as c.1646A>G), located in coding exon 18 of the FANCA gene, results from an A to G substitution at nucleotide position 1646. The glutamine at codon 549 is replaced by arginine, an amino acid with highly similar properties. This amino acid position is conserved. In addition, the in silico prediction for this alteration is inconclusive. Based on the available evidence, the clinical significance of this variant remains unclear.

NM_000135.4(FANCA):c.1646A>G (p.Gln549Arg)

Gene: FANCA (FA complementation group A; minus strand). Cytogenetic location: 16q24.3.
Variant type: single nucleotide variant.
Coding change: c.1646A>G on transcript NM_000135.4 (MANE Select); coding-DNA position 1646, A replaced by G.
Protein change: p.Gln549Arg; replaces glutamine 549 with arginine.
Molecular consequence: missense variant.
Genome position (GRCh38, 1-based): chr16:89,779,938, T>C on the plus strand (A>G on the coding strand, the complement: FANCA is on the minus strand). VCF-style: chr16-89779938-T-C. GRCh37 (hg19) VCF-style: chr16-89846346-T-C.
Other names: c.1646A>G, p.Gln549Arg (NM_001286167.3); short protein forms Q549R.
Identifiers: ClinVar variation 5036399 (VCV005036399.1).